The following is an entry in ClinVar:

ClinVar aggregate classification (germline): Likely benign. Review status: criteria provided, single submitter (1 of 4 stars). 2 submissions from 2 submitters: Likely benign (1). 1 of the submissions does not count toward it. Last evaluated 2023-12-14.

Conditions:
CHRNG-related disorder. Also called: CHRNG-related condition; CHRNG-related disorders.

Allele frequency attached by ClinVar (database versions not stated): ExAC 0.00002; gnomAD exomes 0.00002; TOPMed 0.00003; gnomAD 0.00005.
gnomAD v4.1: 32 of 1,613,612 alleles (0.002%); highest among the groups gnomAD compares: African/African-American, 0.011%; no homozygotes.

Submissions (2):

Labcorp Genetics (formerly Invitae), Labcorp
Classification: Likely benign. Last evaluated: 2023-12-14. Review status: criteria provided, single submitter. Criteria: Invitae Variant Classification Sherloc (09022015). Collection method: clinical testing. Allele origin: germline.

PreventionGenetics, part of Exact Sciences
Classification: Likely benign for CHRNG-related condition. Last evaluated: 2022-02-23. Review status: no assertion criteria provided. Collection method: clinical testing. Allele origin: germline. Not counted in ClinVar's aggregate classification.
Comment: This variant is classified as likely benign based on ACMG/AMP sequence variant interpretation guidelines (Richards et al. 2015 PMID: 25741868, with internal and published modifications).

NM_005199.5(CHRNG):c.1146G>A (p.Ser382=)

Genes: CHRNG (cholinergic receptor nicotinic gamma subunit; plus strand), TIGD1 (tigger transposable element derived 1; minus strand). Cytogenetic location: 2q37.1.
Variant type: single nucleotide variant.
Coding change: c.1146G>A on transcript NM_005199.5 (MANE Select); coding-DNA position 1146, G replaced by A.
Protein change: p.Ser382=; no amino-acid change (serine 382 retained).
Molecular consequence: synonymous variant. On other transcripts: 3 prime UTR variant (1).
Genome position (GRCh38, 1-based): chr2:232,544,477, G>A. VCF-style: chr2-232544477-G-A. GRCh37 (hg19) VCF-style: chr2-233409187-G-A.
Other names: c.*3630C>T (NM_145702.4).
Identifiers: ClinVar variation 2732149 (VCV002732149.5), dbSNP rs200065628, ClinGen allele CA2168953.